The following is an entry in ClinVar:

ClinVar aggregate classification (germline): Uncertain significance (1 of 4 stars; one submission).

Allele frequency attached by ClinVar (database versions not stated): gnomAD exomes below 0.00001.
gnomAD v4.1: 1 of 1,613,996 alleles (0.000062%); highest among the groups gnomAD compares: Non-Finnish European, 0.000085%; no homozygotes.

Submission:

CeGaT Center for Human Genetics Tuebingen
Classification: Uncertain significance. Last evaluated: 2023-01-01. Review status: criteria provided, single submitter. Criteria: CeGaT Center For Human Genetics Tuebingen Variant Classification Criteria Version 2. Collection method: clinical testing. Allele origin: germline. Affected: yes. Observed: 1 variant allele.
Comment: ERCC6: PM2, BP4; PGBD3: PM2, BP4

NM_001277058.2(ERCC6):c.1520A>T (p.Asp507Val)

Genes: ERCC6 (ERCC excision repair 6, chromatin remodeling factor; minus strand), PGBD3 (piggyBac transposable element derived 3; minus strand). Cytogenetic location: 10q11.23.
Variant type: single nucleotide variant.
Coding change: c.1520A>T on transcript NM_001277058.2 (MANE Plus Clinical); coding-DNA position 1520, A replaced by T.
Protein change: p.Asp507Val; replaces aspartic acid 507 with valine.
Molecular consequence: missense variant. On other transcripts: intron variant (2).
Genome position (GRCh38, 1-based): chr10:49,516,999, T>A on the plus strand (A>T on the coding strand, the complement: ERCC6 is on the minus strand). VCF-style: chr10-49516999-T-A. GRCh37 (hg19) VCF-style: chr10-50725045-T-A.
Other names: c.1520A>T, p.Asp507Val (NM_001277059.2); c.116A>T, p.Asp39Val (NM_170753.3); c.1397+7034A>T (NM_001346440.2, NM_000124.4); short protein forms D39V, D507V.
Identifiers: ClinVar variation 2640458 (VCV002640458.24), dbSNP rs2496104249, ClinGen allele CA376747834.